The following is an entry in ClinVar:

ClinVar aggregate classification (germline): Likely benign (1 of 4 stars; one submission).

Allele frequency attached by ClinVar (database versions not stated): ESP Exome Variant Server 0.00070; 1000 Genomes Project 0.00100; 1000 Genomes Project 30x 0.00109; ExAC 0.00133; gnomAD 0.00140; TOPMed 0.00161.

Submission:

CeGaT Center for Human Genetics Tuebingen
Classification: Likely benign. Last evaluated: 2023-07-01. Review status: criteria provided, single submitter. Criteria: CeGaT Center For Human Genetics Tuebingen Variant Classification Criteria Version 2. Collection method: clinical testing. Allele origin: germline. Affected: yes. Observed: 1 variant allele.
Comment: MUC5AC: BP4, BP7

NM_001304359.2(MUC5AC):c.285C>T (p.Asp95=)

Gene: MUC5AC (mucin 5AC, oligomeric mucus/gel-forming; plus strand). Cytogenetic location: 11p15.5.
Variant type: single nucleotide variant.
Coding change: c.285C>T on transcript NM_001304359.2 (MANE Select); coding-DNA position 285, C replaced by T.
Protein change: p.Asp95=; no amino-acid change (aspartic acid 95 retained).
Molecular consequence: synonymous variant.
Genome position (GRCh38, 1-based): chr11:1,161,980, C>T. VCF-style: chr11-1161980-C-T. GRCh37 (hg19) VCF-style: chr11-1155597-C-T.
Identifiers: ClinVar variation 2641162 (VCV002641162.24), dbSNP rs202101385, ClinGen allele CA5801802.